The following is an entry in ClinVar:

ClinVar aggregate classification (germline): Uncertain significance (1 of 4 stars; one submission).

gnomAD v4.1: 1 of 1,614,230 alleles (0.000062%); highest among the groups gnomAD compares: Non-Finnish European, 0.000085%; no homozygotes.

Submission:

CeGaT Center for Human Genetics Tuebingen
Classification: Uncertain significance. Last evaluated: 2024-08-01. Review status: criteria provided, single submitter. Criteria: CeGaT Center For Human Genetics Tuebingen Variant Classification Criteria Version 2. Collection method: clinical testing. Allele origin: germline. Affected: yes. Observed: 1 variant allele.
Comment: FANCA: PM2:Supporting

NM_000135.4(FANCA):c.4248A>T (p.Ser1416=)

Genes: FANCA (FA complementation group A; minus strand), ZNF276 (zinc finger protein 276; plus strand). Cytogenetic location: 16q24.3.
Variant type: single nucleotide variant.
Coding change: c.4248A>T on transcript NM_000135.4 (MANE Select); coding-DNA position 4248, A replaced by T.
Protein change: p.Ser1416=; no amino-acid change (serine 1416 retained).
Molecular consequence: synonymous variant. On other transcripts: missense variant (1), 3 prime UTR variant (2), non-coding transcript variant (4).
Genome position (GRCh38, 1-based): chr16:89,738,894, T>A on the plus strand (A>T on the coding strand, the complement: FANCA is on the minus strand). VCF-style: chr16-89738894-T-A. GRCh37 (hg19) VCF-style: chr16-89805302-T-A.
Other names: c.4252A>T, p.Thr1418Ser (NM_001286167.3); c.*648T>A (NM_001113525.2, NM_152287.4); short protein forms T1418S.
Identifiers: ClinVar variation 3342059 (VCV003342059.16).